The following is an entry in ClinVar:

NM_000026.4(ADSL):c.402+6G>A

Gene: ADSL (adenylosuccinate lyase; plus strand). Cytogenetic location: 22q13.1.
Variant type: single nucleotide variant.
Coding change: c.402+6G>A on transcript NM_000026.4 (MANE Select); 6 bases into the intron after coding-DNA position 402, G replaced by A.
Molecular consequence: intron variant.
Genome position (GRCh38, 1-based): chr22:40,353,123, G>A. VCF-style: chr22-40353123-G-A. GRCh37 (hg19) VCF-style: chr22-40749127-G-A.
Other names: c.402+6G>A (NM_001363840.3, NM_001123378.3); c.210+6G>A (NM_001317923.2).
Identifiers: ClinVar variation 1427991 (VCV001427991.5), dbSNP rs2146634344, ClinGen allele CA2573158366.
Genomic context (GRCh38, chr22:40,353,123, plus strand): 5'-TCTTTCGTAGGACTTGATTATTCTTAGAAATGCACTTGACCTGCTTTTGCCAAAGGTAAG[G>A]AGTTGGCAGATGTTTCCTACCAACCCTAGATTCCCTATGTTAGGAGATAGGCACCAGTTA-3'

ClinVar aggregate classification (germline): Uncertain significance (1 of 4 stars; one submission).

Conditions:
Adenylosuccinate lyase deficiency (ADSLD). Also called: ADSL DEFICIENCY. Identifiers: Orphanet 46, MedGen C0268126, MONDO:0007068, OMIM 103050.

gnomAD v4.1: 1 of 1,612,486 alleles (0.000062%); no homozygotes.

Submission:

Labcorp Genetics (formerly Invitae), Labcorp
Classification: Uncertain significance for Adenylosuccinate lyase deficiency. Last evaluated: 2024-05-15. Review status: criteria provided, single submitter. Criteria: Invitae Variant Classification Sherloc (09022015). Collection method: clinical testing. Allele origin: germline.
Comment: This sequence change falls in intron 3 of the ADSL gene. It does not directly change the encoded amino acid sequence of the ADSL protein. It affects a nucleotide within the consensus splice site. This variant is not present in population databases (gnomAD no frequency). This variant has not been reported in the literature in individuals affected with ADSL-related conditions. ClinVar contains an entry for this variant (Variation ID: 1427991). Variants that disrupt the consensus splice site are a relatively common cause of aberrant splicing (PMID: 17576681, 9536098). Algorithms developed to predict the effect of sequence changes on RNA splicing suggest that this variant is not likely to affect RNA splicing. In summary, the available evidence is currently insufficient to determine the role of this variant in disease. Therefore, it has been classified as a Variant of Uncertain Significance.

Literature cited by the submitters: PubMed 17576681; PubMed 9536098.